The following is an entry in ClinVar:

NM_000179.3(MSH6):c.1250del (p.Lys417fs)

Gene: MSH6 (mutS homolog 6; plus strand). Cytogenetic location: 2p16.3.
Variant type: Deletion.
Coding change: c.1250del on transcript NM_000179.3 (MANE Select); coding-DNA position 1250, one base deleted (A; older notation c.1250delA).
Protein change: p.Lys417fs; shifts the reading frame from lysine 417.
Molecular consequence: frameshift variant.
Genome position (GRCh38, 1-based): chr2:47,799,233, A deleted; the last of 2 consecutive A bases (chr2:47,799,232-47,799,233); deleting either gives the same sequence. VCF-style (leftmost placement, unchanged base first): chr2-47799231-TA-T. GRCh37 (hg19) VCF-style: chr2-48026370-TA-T.
Other names: c.860del, p.Lys287fs (NM_001281492.2); c.344del, p.Lys115fs (NM_001281493.2, NM_001281494.2); short protein forms K115fs, K417fs, K287fs.
Identifiers: ClinVar variation 1458093 (VCV001458093.6), dbSNP rs2104331064, ClinGen allele CA2573134914.

ClinVar aggregate classification (germline): Pathogenic (1 of 4 stars; one submission).

Conditions:
Hereditary nonpolyposis colorectal neoplasms. Identifiers: MedGen C0009405, MeSH D003123.

Submission:

Labcorp Genetics (formerly Invitae), Labcorp
Classification: Pathogenic for Hereditary nonpolyposis colorectal neoplasms. Last evaluated: 2021-06-12. Review status: criteria provided, single submitter. Criteria: Invitae Variant Classification Sherloc (09022015). Collection method: clinical testing. Allele origin: germline.
Comment: For these reasons, this variant has been classified as Pathogenic. This variant has not been reported in the literature in individuals with MSH6-related conditions. This variant is not present in population databases (ExAC no frequency). This sequence change creates a premature translational stop signal (p.Lys417Serfs*36) in the MSH6 gene. It is expected to result in an absent or disrupted protein product. Loss-of-function variants in MSH6 are known to be pathogenic (PMID: 18269114, 24362816).

Literature cited by the submitters: PubMed 18269114; PubMed 24362816.